The following is an entry in ClinVar:

NM_173630.4(RTTN):c.6596-8T>A

Gene: RTTN (rotatin; minus strand). Cytogenetic location: 18q22.2.
Variant type: single nucleotide variant.
Coding change: c.6596-8T>A on transcript NM_173630.4 (MANE Select); 8 bases into the intron before coding-DNA position 6596, T replaced by A.
Molecular consequence: intron variant.
Genome position (GRCh38, 1-based): chr18:70,004,244, A>T on the plus strand (T>A on the coding strand, the complement: RTTN is on the minus strand). VCF-style: chr18-70004244-A-T. GRCh37 (hg19) VCF-style: chr18-67671480-A-T.
Other names: c.3860-8T>A (NM_001318520.2).
Identifiers: ClinVar variation 717530 (VCV000717530.5), dbSNP rs772525574, ClinGen allele CA8994603.

ClinVar aggregate classification (germline): Likely benign. Review status: criteria provided, single submitter (1 of 4 stars). 2 submissions from 2 submitters: Likely benign (1). 1 of the submissions does not count toward it. Last evaluated 2018-03-29.

Conditions:
RTTN-related disorder. Also called: RTTN-related condition.

Allele frequency attached by ClinVar (database versions not stated): TOPMed 0.00005; gnomAD exomes 0.00013 and 0.00014; gnomAD 0.00014 and 0.00016; ExAC 0.00023.
gnomAD v4.1: 210 of 1,597,860 alleles (0.013%); highest among the groups gnomAD compares: Non-Finnish European, 0.017%; no homozygotes.

Submissions (2):

Labcorp Genetics (formerly Invitae), Labcorp
Classification: Likely benign. Last evaluated: 2018-03-29. Review status: criteria provided, single submitter. Criteria: Invitae Variant Classification Sherloc (09022015). Collection method: clinical testing. Allele origin: germline.

PreventionGenetics, part of Exact Sciences
Classification: Likely benign for RTTN-related condition. Last evaluated: 2021-02-23. Review status: no assertion criteria provided. Collection method: clinical testing. Allele origin: germline. Not counted in ClinVar's aggregate classification.
Comment: This variant is classified as likely benign based on ACMG/AMP sequence variant interpretation guidelines (Richards et al. 2015 PMID: 25741868, with internal and published modifications).